The following is an entry in ClinVar:

ClinVar aggregate classification (germline): Uncertain significance (1 of 4 stars; one submission).

Allele frequency attached by ClinVar (database versions not stated): gnomAD exomes below 0.00001; gnomAD 0.00001.
gnomAD v4.1: 8 of 1,613,836 alleles (0.0005%); highest among the groups gnomAD compares: Admixed American, 0.0017%; no homozygotes.

Submission:

Labcorp Genetics (formerly Invitae), Labcorp
Classification: Uncertain significance. Last evaluated: 2022-03-11. Review status: criteria provided, single submitter. Criteria: Invitae Variant Classification Sherloc (09022015). Collection method: clinical testing. Allele origin: germline.
Comment: This sequence change replaces threonine, which is neutral and polar, with methionine, which is neutral and non-polar, at codon 134 of the KIF22 protein (p.Thr134Met). This variant is not present in population databases (gnomAD no frequency). This variant has not been reported in the literature in individuals affected with KIF22-related conditions. Algorithms developed to predict the effect of missense changes on protein structure and function (SIFT, PolyPhen-2, Align-GVGD) all suggest that this variant is likely to be disruptive. In summary, the available evidence is currently insufficient to determine the role of this variant in disease. Therefore, it has been classified as a Variant of Uncertain Significance.

NM_007317.3(KIF22):c.401C>T (p.Thr134Met)

Gene: KIF22 (kinesin family member 22; plus strand). Cytogenetic location: 16p11.2.
Variant type: single nucleotide variant.
Coding change: c.401C>T on transcript NM_007317.3 (MANE Select); coding-DNA position 401, C replaced by T.
Protein change: p.Thr134Met; replaces threonine 134 with methionine.
Molecular consequence: missense variant.
Genome position (GRCh38, 1-based): chr16:29,798,599, C>T. VCF-style: chr16-29798599-C-T. GRCh37 (hg19) VCF-style: chr16-29809920-C-T.
Other names: c.197C>T, p.Thr66Met (NM_001256269.2, NM_001256270.1); short protein forms T134M, T66M.
Identifiers: ClinVar variation 2109455 (VCV002109455.4), dbSNP rs1899017006, ClinGen allele CA395450849.